The following is an entry in ClinVar:

NM_020738.4(KIDINS220):c.4384T>G (p.Ser1462Ala)

Gene: KIDINS220 (kinase D interacting substrate 220; minus strand). Cytogenetic location: 2p25.1.
Variant type: single nucleotide variant.
Coding change: c.4384T>G on transcript NM_020738.4 (MANE Select); coding-DNA position 4384, T replaced by G.
Protein change: p.Ser1462Ala; replaces serine 1462 with alanine.
Molecular consequence: missense variant. On other transcripts: intron variant (6).
Genome position (GRCh38, 1-based): chr2:8,731,652, A>C on the plus strand (T>G on the coding strand, the complement: KIDINS220 is on the minus strand). VCF-style: chr2-8731652-A-C. GRCh37 (hg19) VCF-style: chr2-8871782-A-C.
Other names: c.4387T>G, p.Ser1463Ala (NM_001348729.2); c.4330T>G, p.Ser1444Ala (NM_001348731.2); c.4327T>G, p.Ser1443Ala (NM_001348732.2); c.4216T>G, p.Ser1406Ala (NM_001348734.2); c.4213T>G, p.Ser1405Ala (NM_001348735.2); c.4087T>G, p.Ser1363Ala (NM_001348736.2); c.3882+1792T>G (NM_001348741.2, NM_001348742.2, NM_001348743.2); c.3996+1792T>G (NM_001348738.2); and 1 more; short protein forms S1405A, S1444A, S1462A, S1463A, S1363A, S1406A, S1443A.
Identifiers: ClinVar variation 1523963 (VCV001523963.8), dbSNP rs773234909, ClinGen allele CA1519372.

ClinVar aggregate classification (germline): Uncertain significance (1 of 4 stars; one submission).

Allele frequency attached by ClinVar (database versions not stated): ExAC 0.00001.
gnomAD v4.1: 1 of 1,614,220 alleles (0.000062%); no homozygotes.

Submission:

Labcorp Genetics (formerly Invitae), Labcorp
Classification: Uncertain significance. Last evaluated: 2022-08-09. Review status: criteria provided, single submitter. Criteria: Invitae Variant Classification Sherloc (09022015). Collection method: clinical testing. Allele origin: germline.
Comment: In summary, the available evidence is currently insufficient to determine the role of this variant in disease. Therefore, it has been classified as a Variant of Uncertain Significance. Algorithms developed to predict the effect of sequence changes on RNA splicing suggest that this variant may create or strengthen a splice site. Algorithms developed to predict the effect of missense changes on protein structure and function are either unavailable or do not agree on the potential impact of this missense change (SIFT: "Deleterious"; PolyPhen-2: "Benign"; Align-GVGD: "Class C0"). ClinVar contains an entry for this variant (Variation ID: 1523963). This variant has not been reported in the literature in individuals affected with KIDINS220-related conditions. This variant is not present in population databases (gnomAD no frequency). This sequence change replaces serine, which is neutral and polar, with alanine, which is neutral and non-polar, at codon 1462 of the KIDINS220 protein (p.Ser1462Ala).